The following is an entry in ClinVar:

NM_003872.3(NRP2):c.1737G>A (p.Ser579=)

Gene: NRP2 (neuropilin 2; plus strand). Cytogenetic location: 2q33.3.
Variant type: single nucleotide variant.
Coding change: c.1737G>A on transcript NM_003872.3 (MANE Select); coding-DNA position 1737, G replaced by A.
Protein change: p.Ser579=; no amino-acid change (serine 579 retained).
Molecular consequence: synonymous variant.
Genome position (GRCh38, 1-based): chr2:205,745,841, G>A. VCF-style: chr2-205745841-G-A. GRCh37 (hg19) VCF-style: chr2-206610565-G-A.
Other names: c.1737G>A, p.Ser579= (NM_018534.4, NM_201266.2, NM_201267.2 and 1 more transcripts).
Identifiers: ClinVar variation 789562 (VCV000789562.6), dbSNP rs148769922, ClinGen allele CA2069178.

ClinVar aggregate classification (germline): Benign/Likely benign. Review status: criteria provided, multiple submitters, no conflicts (2 of 4 stars). 3 submissions from 3 submitters: Benign (1); Likely benign (1). 1 of the submissions does not count toward it. Last evaluated 2018-06-08.

Conditions:
NRP2-related disorder. Also called: NRP2-related condition.

Allele frequency attached by ClinVar (database versions not stated): gnomAD exomes 0.00013 and 0.00035; ExAC 0.00041; ESP Exome Variant Server 0.00115; gnomAD 0.00121 and 0.00131; TOPMed 0.00125; 1000 Genomes Project 0.00200; 1000 Genomes Project 30x 0.00219.
gnomAD v4.1: 374 of 1,614,134 alleles (0.023%); highest among the groups gnomAD compares: African/African-American, 0.4%; 1 homozygote.

Submissions (3):

Labcorp Genetics (formerly Invitae), Labcorp
Classification: Benign. Last evaluated: 2018-06-08. Review status: criteria provided, single submitter. Criteria: Invitae Variant Classification Sherloc (09022015). Collection method: clinical testing. Allele origin: germline.

Breakthrough Genomics
Classification: Likely benign. Review status: criteria provided, single submitter. Criteria: ACMG Guidelines, 2015. Collection method: not provided. Allele origin: germline. Inheritance: Unknown mechanism. Affected: yes.

PreventionGenetics, part of Exact Sciences
Classification: Likely benign for NRP2-related condition. Last evaluated: 2021-11-03. Review status: no assertion criteria provided. Collection method: clinical testing. Allele origin: germline. Not counted in ClinVar's aggregate classification.
Comment: This variant is classified as likely benign based on ACMG/AMP sequence variant interpretation guidelines (Richards et al. 2015 PMID: 25741868, with internal and published modifications).